The following is an entry in ClinVar:

ClinVar aggregate classification (germline): Pathogenic. Review status: criteria provided, multiple submitters, no conflicts (2 of 4 stars). 2 submissions from 2 submitters: Pathogenic (2). Last evaluated 2023-08-11.

Conditions:
Hereditary cancer-predisposing syndrome. Also called: Tumor predisposition; Hereditary Cancer Syndrome; Neoplastic Syndromes, Hereditary; Hereditary neoplastic syndrome. Identifiers: Orphanet 140162, MedGen C0027672, MeSH D009386, MONDO:0015356.
Lynch syndrome 5 (LYNCH5). Also called: Colorectal cancer, hereditary nonpolyposis, type 5; Hereditary non-polyposis colorectal cancer, type 5. Identifiers: Orphanet 144, MedGen C1833477, MONDO:0013710, OMIM 614350. Disease mechanism: loss of function.

Submissions (2):

Myriad Genetics, Inc.
Classification: Pathogenic for Lynch syndrome 5. Last evaluated: 2023-08-11. Review status: criteria provided, single submitter. Criteria: Myriad Autosomal Dominant, Autosomal Recessive and X-Linked Classification Criteria (2023). Collection method: clinical testing. Allele origin: unknown.
Comment: This variant is considered pathogenic. This variant creates a termination codon and is predicted to result in premature protein truncation.

Ambry Genetics
Classification: Pathogenic for Hereditary cancer-predisposing syndrome. Last evaluated: 2018-02-22. Review status: criteria provided, single submitter. Criteria: Ambry Variant Classification Scheme 2023. Collection method: clinical testing. Allele origin: germline.
Comment: The p.E368* pathogenic mutation (also known as c.1102G>T), located in coding exon 4 of the MSH6 gene, results from a G to T substitution at nucleotide position 1102. This changes the amino acid from a glutamic acid to a stop codon within coding exon 4. This alteration is expected to result in loss of function by premature protein truncation or nonsense-mediated mRNA decay. As such, this alteration is interpreted as a disease-causing mutation.

NM_000179.3(MSH6):c.1102G>T (p.Glu368Ter)

Gene: MSH6 (mutS homolog 6; plus strand). Cytogenetic location: 2p16.3.
Variant type: single nucleotide variant.
Coding change: c.1102G>T on transcript NM_000179.3 (MANE Select); coding-DNA position 1102, G replaced by T.
Protein change: p.Glu368Ter; replaces glutamic acid 368 with a stop codon.
Molecular consequence: nonsense.
Genome position (GRCh38, 1-based): chr2:47,799,085, G>T. VCF-style: chr2-47799085-G-T. GRCh37 (hg19) VCF-style: chr2-48026224-G-T.
Other names: c.712G>T, p.Glu238Ter (NM_001281492.2); c.196G>T, p.Glu66Ter (NM_001281493.2, NM_001281494.2, NM_001406811.1 and 6 more transcripts); c.1198G>T, p.Glu400Ter (NM_001406795.1, NM_001406802.1); c.1102G>T, p.Glu368Ter (NM_001406796.1, NM_001406798.1, NM_001406800.1 and 4 more transcripts); c.805G>T, p.Glu269Ter (NM_001406797.1, NM_001406801.1, NM_001406805.1 and 10 more transcripts); c.577G>T, p.Glu193Ter (NM_001406799.1, NM_001406806.1, NM_001406807.1); c.1024G>T, p.Glu342Ter (NM_001406804.1); c.1108G>T, p.Glu370Ter (NM_001406813.1); and 1 more; short protein forms E66*, E193*, E342*, E370*, E238*, E312*, E400*, E269*.
Identifiers: ClinVar variation 1792875 (VCV001792875.3), dbSNP rs1572721686, ClinGen allele CA346741919.